The following is an entry in ClinVar:

NM_000384.3(APOB):c.13397T>C (p.Ile4466Thr)

Gene: APOB (apolipoprotein B; minus strand). Cytogenetic location: 2p24.1.
Variant type: single nucleotide variant.
Coding change: c.13397T>C on transcript NM_000384.3 (MANE Select); coding-DNA position 13397, T replaced by C.
Protein change: p.Ile4466Thr; replaces isoleucine 4466 with threonine.
Molecular consequence: missense variant.
Genome position (GRCh38, 1-based): chr2:21,002,025, A>G on the plus strand (T>C on the coding strand, the complement: APOB is on the minus strand). VCF-style: chr2-21002025-A-G. GRCh37 (hg19) VCF-style: chr2-21224897-A-G.
Other names: short protein forms I4466T.
Identifiers: ClinVar variation 5027045 (VCV005027045.1).

ClinVar aggregate classification (germline): Uncertain significance (1 of 4 stars; one submission).

Conditions:
Cardiovascular phenotype. Identifiers: MedGen CN230736.

gnomAD v4.1: 2 of 1,614,064 alleles (0.00012%); highest among the groups gnomAD compares: Non-Finnish European, 0.00017%; no homozygotes.

Submission:

Ambry Genetics
Classification: Uncertain significance for Cardiovascular phenotype. Last evaluated: 2026-07-01. Review status: criteria provided, single submitter. Criteria: Ambry Variant Classification Scheme 2023. Collection method: clinical testing. Allele origin: germline.
Comment: The p.I4466T variant (also known as c.13397T>C), located in coding exon 29 of the APOB gene, results from a T to C substitution at nucleotide position 13397. The isoleucine at codon 4466 is replaced by threonine, an amino acid with similar properties. This amino acid position is conserved. In addition, this alteration is predicted to be tolerated by in silico analysis. Based on the available evidence, the clinical significance of this variant remains unclear.